The following is an entry in ClinVar:

ClinVar aggregate classification (germline): Uncertain significance (1 of 4 stars; one submission).

Submission:

Illumina Laboratory Services, Illumina
Classification: Uncertain significance. Last evaluated: 2022-09-09. Review status: criteria provided, single submitter. Criteria: ICSL CNVClassificationCriteria Aug2020. Collection method: clinical testing. Allele origin: unknown. Affected: yes.
Comment: The CHD3 c.100+1G>A variant results in the substitution of a guanine within the consensus splice donor site with an adenine, which may result in splicing defects. To our knowledge, this variant has not been reported in the peer-reviewed literature. This variant is not found in version 2.1.1 or version 3.1.2 of the Genome Aggregation Database. Based on the available evidence, the c.100+1G>A variant is classified as a variant of uncertain significance for Snijders Blok-Campeau syndrome.

NM_001005273.3(CHD3):c.100+1G>A

Gene: CHD3 (chromodomain helicase DNA binding protein 3; plus strand). Cytogenetic location: 17p13.1.
Variant type: single nucleotide variant.
Coding change: c.100+1G>A on transcript NM_001005273.3 (MANE Select); the canonical splice donor site of the intron after coding-DNA position 100, G replaced by A.
Molecular consequence: splice donor variant. On other transcripts: intron variant (1).
Genome position (GRCh38, 1-based): chr17:7,889,101, G>A. VCF-style: chr17-7889101-G-A. GRCh37 (hg19) VCF-style: chr17-7792419-G-A.
Other names: c.278-563G>A (NM_001005271.3); c.100+1G>A (NM_005852.4).
Identifiers: ClinVar variation 2429398 (VCV002429398.3), dbSNP rs2544692649, ClinGen allele CA397934389.
Genomic context (GRCh38, chr17:7,889,101, plus strand): 5'-AAAATGACCAGCTGAGGATTTCTTTTCCTCCAGGACTGTGTTGGGGTGACAGGATGCCTG[G>A]TAATTATCCGAGGAAATGTAAATAGAGGCCTCCCTCTTGGCAAAAGGATGTCAGGGCCCC-3'